The following is an entry in ClinVar:

ClinVar aggregate classification (germline): Benign/Likely benign. Review status: criteria provided, multiple submitters, no conflicts (2 of 4 stars). 4 submissions from 4 submitters: Benign (1); Likely benign (3). Last evaluated 2026-01-25.

Conditions:
Fetal akinesia deformation sequence 1 (FADS1). Also called: Pena-Shokeir syndrome type I; Fetal akinesia sequence. Identifiers: Orphanet 994, MedGen C1276035, MONDO:0100101, OMIM 208150, HP:0001989.
Congenital myasthenic syndrome 9. Also called: Myasthenic syndrome, congenital, 9, associated with acetylcholine receptor deficiency. Identifiers: Orphanet 590, MedGen C4225368, MONDO:0014587, OMIM 616325.

Allele frequency attached by ClinVar (database versions not stated): 1000 Genomes Project 30x 0.00031; 1000 Genomes Project 0.00040; TOPMed 0.00085; gnomAD 0.00086 and 0.00089; ESP Exome Variant Server 0.00122.
gnomAD v4.1: 1,879 of 1,612,348 alleles (0.12%); highest among the groups gnomAD compares: Non-Finnish European, 0.14%; 3 homozygotes.

Submissions (4):

Labcorp Genetics (formerly Invitae), Labcorp
Classification: Benign for Congenital myasthenic syndrome 9; Fetal akinesia deformation sequence 1. Last evaluated: 2026-01-25. Review status: criteria provided, single submitter. Criteria: Invitae Variant Classification Sherloc (09022015). Collection method: clinical testing. Allele origin: germline.

Blueprint Genetics
Classification: Likely benign. Last evaluated: 2024-11-11. Review status: criteria provided, single submitter. Criteria: ACMG Guidelines, 2015. Collection method: clinical testing. Allele origin: germline.

GeneDx
Classification: Likely benign. Last evaluated: 2017-07-13. Review status: criteria provided, single submitter. Criteria: GeneDx Variant Classification (06012015). Collection method: clinical testing. Allele origin: germline. Affected: yes.
Comment: This variant is considered likely benign or benign based on one or more of the following criteria: it is a conservative change, it occurs at a poorly conserved position in the protein, it is predicted to be benign by multiple in silico algorithms, and/or has population frequency not consistent with disease.

PreventionGenetics, part of Exact Sciences
Classification: Likely benign. Review status: criteria provided, single submitter. Criteria: ACMG Guidelines, 2015. Collection method: clinical testing. Allele origin: germline.

NM_005592.4(MUSK):c.358+20G>A

Gene: MUSK (muscle associated receptor tyrosine kinase; plus strand). Cytogenetic location: 9q31.3.
Variant type: single nucleotide variant.
Coding change: c.358+20G>A on transcript NM_005592.4 (MANE Select); 20 bases into the intron after coding-DNA position 358, G replaced by A.
Molecular consequence: intron variant.
Genome position (GRCh38, 1-based): chr9:110,687,288, G>A. VCF-style: chr9-110687288-G-A. GRCh37 (hg19) VCF-style: chr9-113449568-G-A.
Other names: c.358+20G>A (NM_001166280.2, NM_001166281.2).
Identifiers: ClinVar variation 259810 (VCV000259810.10), dbSNP rs144807641, ClinGen allele CA5183990.